The following is an entry in ClinVar:

NM_000152.5(GAA):c.739C>T (p.Gln247Ter)

Gene: GAA (alpha glucosidase; plus strand). Cytogenetic location: 17q25.3.
Variant type: single nucleotide variant.
Coding change: c.739C>T on transcript NM_000152.5 (MANE Select); coding-DNA position 739, C replaced by T.
Protein change: p.Gln247Ter; replaces glutamine 247 with a stop codon.
Molecular consequence: nonsense.
Genome position (GRCh38, 1-based): chr17:80,107,603, C>T. VCF-style: chr17-80107603-C-T. GRCh37 (hg19) VCF-style: chr17-78081402-C-T.
Other names: c.739C>T, p.Gln247Ter (NM_001079803.3, NM_001079804.3, NM_001406741.1 and 1 more transcripts); short protein forms Q247*.
Identifiers: ClinVar variation 2013899 (VCV002013899.5), dbSNP rs2510357571, ClinGen allele CA401363242.
Genomic context (GRCh38, chr17:80,107,603, plus strand): 5'-CCTCTGTCCCGCAGGCTGAACACGACGGTGGCGCCCCTGTTCTTTGCGGACCAGTTCCTT[C>T]AGCTGTCCACCTCGCTGCCCTCGCAGTATATCACAGGCCTCGCCGAGCACCTCAGTCCCC-3'

ClinVar aggregate classification (germline): Pathogenic. Review status: criteria provided, multiple submitters, no conflicts (2 of 4 stars). 2 submissions from 2 submitters: Pathogenic (2). Last evaluated 2024-05-08.

Conditions:
Glycogen storage disease, type II (IOPD). Also called: Glucosidase acid-1,4-alpha deficiency; Pompe Disease; CARDIOMEGALIA GLYCOGENICA DIFFUSA; GLYCOGENOSIS, GENERALIZED, CARDIAC FORM; GSD II; Glycogen storage disease type 2. Identifiers: Orphanet 365, MedGen C0017921, MONDO:0009290, OMIM 232300.

Submissions (2):

Myriad Genetics, Inc.
Classification: Pathogenic for Glycogen storage disease, type II. Last evaluated: 2024-05-08. Review status: criteria provided, single submitter. Criteria: Myriad Autosomal Dominant, Autosomal Recessive and X-Linked Classification Criteria (2023). Collection method: clinical testing. Allele origin: unknown.
Comment: NM_000152.3(GAA):c.739C>T(Q247*) is expected to be pathogenic in the context of Pompe disease. This variant is predicted to lead to an abnormal or absent protein product due to the creation of a premature termination codon in GAA, a gene where loss-of-function variants are known to be pathogenic. Please note: this variant was assessed in the context of healthy population screening.

Labcorp Genetics (formerly Invitae), Labcorp
Classification: Pathogenic for Glycogen storage disease, type II. Last evaluated: 2022-07-04. Review status: criteria provided, single submitter. Criteria: Invitae Variant Classification Sherloc (09022015). Collection method: clinical testing. Allele origin: germline.
Comment: For these reasons, this variant has been classified as Pathogenic. This variant has not been reported in the literature in individuals affected with GAA-related conditions. This variant is not present in population databases (gnomAD no frequency). This sequence change creates a premature translational stop signal (p.Gln247*) in the GAA gene. It is expected to result in an absent or disrupted protein product. Loss-of-function variants in GAA are known to be pathogenic (PMID: 18425781, 22252923).

Literature cited by the submitters: PubMed 18425781 (cited by Labcorp Genetics (formerly Invitae), Labcorp); PubMed 22252923 (cited by Labcorp Genetics (formerly Invitae), Labcorp).